The following is an entry in ClinVar:

NM_080425.4(GNAS):c.426A>G (p.Gly142=)

Gene: GNAS (GNAS complex locus; plus strand). Cytogenetic location: 20q13.32.
Variant type: single nucleotide variant.
Coding change: c.426A>G on transcript NM_080425.4 (MANE Plus Clinical); coding-DNA position 426, A replaced by G.
Protein change: p.Gly142=; no amino-acid change (glycine 142 retained).
Molecular consequence: synonymous variant. On other transcripts: missense variant (2), intron variant (3).
Genome position (GRCh38, 1-based): chr20:58,853,691, A>G. VCF-style: chr20-58853691-A-G. GRCh37 (hg19) VCF-style: chr20-57428746-A-G.
Other names: c.239A>G, p.Glu80Gly (NM_001077490.3, NM_001309883.1); c.426A>G, p.Gly142= (NM_001410913.1); c.*42+12805A>G (NM_016592.5); c.43+12805A>G (NM_001410912.1); c.-39+11816A>G (NM_001309861.2); short protein forms E80G.
Identifiers: ClinVar variation 3358756 (VCV003358756.1).

ClinVar aggregate classification (germline): Uncertain significance (0 of 4 stars; one submission).

Conditions:
GNAS-related disorder. Identifiers: MedGen CN380105.

gnomAD v4.1: 8 of 1,613,624 alleles (0.0005%); highest among the groups gnomAD compares: Admixed American, 0.012%; no homozygotes.

Submission:

PreventionGenetics, part of Exact Sciences
Classification: Uncertain significance for GNAS-related condition. Last evaluated: 2024-04-30. Review status: no assertion criteria provided. Collection method: clinical testing. Allele origin: germline.
Comment: The GNAS c.239A>G variant is predicted to result in the amino acid substitution p.Glu80Gly. Of note, this variant is also designated c.-38036A>G (pre-coding) in the more commonly reported transcript, NM_000516.5. To our knowledge, this variant has not been reported in the literature. This variant is reported in 0.017% of alleles in individuals of Latino descent in gnomAD. At this time, the clinical significance of this variant is uncertain due to the absence of conclusive functional and genetic evidence.